The following is an entry in ClinVar:

NM_001848.3(COL6A1):c.2734G>A (p.Asp912Asn)

Gene: COL6A1 (collagen type VI alpha 1 chain; plus strand). Cytogenetic location: 21q22.3.
Variant type: single nucleotide variant.
Coding change: c.2734G>A on transcript NM_001848.3 (MANE Select); coding-DNA position 2734, G replaced by A.
Protein change: p.Asp912Asn; replaces aspartic acid 912 with asparagine.
Molecular consequence: missense variant.
Genome position (GRCh38, 1-based): chr21:46,003,660, G>A. VCF-style: chr21-46003660-G-A. GRCh37 (hg19) VCF-style: chr21-47423574-G-A.
Other names: short protein forms D912N.
Identifiers: ClinVar variation 2898031 (VCV002898031.3), dbSNP rs1319201964, ClinGen allele CA410540919.

ClinVar aggregate classification (germline): Uncertain significance (1 of 4 stars; one submission).

Conditions:
Bethlem myopathy 1A. Also called: MYOPATHY, BENIGN CONGENITAL, WITH CONTRACTURES; Bethlem myopathy 1; Bethlem Muscular Dystrophy. Identifiers: Orphanet 610, MedGen CN029274, MONDO:0024530, OMIM 158810.

Allele frequency attached by ClinVar (database versions not stated): gnomAD exomes below 0.00001; gnomAD 0.00001; TOPMed 0.00003.
gnomAD v4.1: 8 of 1,612,956 alleles (0.0005%); highest among the groups gnomAD compares: Admixed American, 0.005%; no homozygotes.

Submission:

Labcorp Genetics (formerly Invitae), Labcorp
Classification: Uncertain significance for Bethlem myopathy 1A. Last evaluated: 2024-05-19. Review status: criteria provided, single submitter. Criteria: Invitae Variant Classification Sherloc (09022015). Collection method: clinical testing. Allele origin: germline.
Comment: This sequence change replaces aspartic acid, which is acidic and polar, with asparagine, which is neutral and polar, at codon 912 of the COL6A1 protein (p.Asp912Asn). This variant is not present in population databases (gnomAD no frequency). This variant has not been reported in the literature in individuals affected with COL6A1-related conditions. Advanced modeling of protein sequence and biophysical properties (such as structural, functional, and spatial information, amino acid conservation, physicochemical variation, residue mobility, and thermodynamic stability) performed at Invitae indicates that this missense variant is not expected to disrupt COL6A1 protein function with a negative predictive value of 95%. In summary, the available evidence is currently insufficient to determine the role of this variant in disease. Therefore, it has been classified as a Variant of Uncertain Significance.